The following is an entry in ClinVar:

NM_001035.3(RYR2):c.5716-5C>G

Gene: RYR2 (ryanodine receptor 2; plus strand). Cytogenetic location: 1q43.
Variant type: single nucleotide variant.
Coding change: c.5716-5C>G on transcript NM_001035.3 (MANE Select); 5 bases into the intron before coding-DNA position 5716, C replaced by G.
Molecular consequence: intron variant.
Genome position (GRCh38, 1-based): chr1:237,617,281, C>G. VCF-style: chr1-237617281-C-G. GRCh37 (hg19) VCF-style: chr1-237780581-C-G.
Identifiers: ClinVar variation 1749260 (VCV001749260.4), dbSNP rs1180981385, ClinGen allele CA529912828.

ClinVar aggregate classification (germline): Conflicting classifications of pathogenicity. Review status: criteria provided, conflicting classifications (1 of 4 stars). 2 submissions from 2 submitters: Uncertain significance (1); Likely benign (1). Last evaluated 2024-12-12.

Conditions:
Catecholaminergic polymorphic ventricular tachycardia 1. Also called: VENTRICULAR TACHYCARDIA, CATECHOLAMINERGIC POLYMORPHIC, 1, WITH OR WITHOUT ATRIAL DYSFUNCTION AND/OR DILATED CARDIOMYOPATHY; VENTRICULAR TACHYCARDIA, STRESS-INDUCED POLYMORPHIC 1; RYR2-Related Catecholaminergic Polymorphic Ventricular Tachycardia. Identifiers: Orphanet 3286, MedGen C1631597, MONDO:0011484, OMIM 604772.
Cardiovascular phenotype. Identifiers: MedGen CN230736.

Allele frequency attached by ClinVar (database versions not stated): gnomAD exomes below 0.00001; TOPMed below 0.00001.
gnomAD v4.1: 8 of 1,608,252 alleles (0.0005%); highest among the groups gnomAD compares: African/African-American, 0.0027%; no homozygotes.

Submissions (2):

Labcorp Genetics (formerly Invitae), Labcorp
Classification: Likely benign for Catecholaminergic polymorphic ventricular tachycardia 1. Last evaluated: 2024-12-12. Review status: criteria provided, single submitter. Criteria: Invitae Variant Classification Sherloc (09022015). Collection method: clinical testing. Allele origin: germline.

Ambry Genetics
Classification: Uncertain significance for Cardiovascular phenotype. Last evaluated: 2019-03-29. Review status: criteria provided, single submitter. Criteria: Ambry Variant Classification Scheme 2023. Collection method: clinical testing. Allele origin: germline.
Comment: The c.5716-5C>G intronic variant results from a C to G substitution 5 nucleotides upstream from coding exon 38 in the RYR2 gene. This nucleotide position is poorly conserved in available vertebrate species. Using the BDGP and ESEfinder splice site prediction tools, this alteration is predicted to weaken the efficiency of the native splice acceptor site; however, direct evidence is unavailable. Since supporting evidence is limited at this time, the clinical significance of this alteration remains unclear.